The following is an entry in ClinVar:

NM_006206.6(PDGFRA):c.2038G>A (p.Gly680Arg)

Gene: PDGFRA (platelet derived growth factor receptor alpha; plus strand). Cytogenetic location: 4q12.
Variant type: single nucleotide variant.
Coding change: c.2038G>A on transcript NM_006206.6 (MANE Select); coding-DNA position 2038, G replaced by A.
Protein change: p.Gly680Arg; replaces glycine 680 with arginine.
Molecular consequence: missense variant.
Genome position (GRCh38, 1-based): chr4:54,278,397, G>A. VCF-style: chr4-54278397-G-A. GRCh37 (hg19) VCF-style: chr4-55144564-G-A.
Other names: c.2038G>A, p.Gly680Arg (NM_001347827.2, NM_001347829.2); c.2113G>A, p.Gly705Arg (NM_001347828.2); c.2077G>A, p.Gly693Arg (NM_001347830.2); short protein forms G680R, G693R, G705R.
Identifiers: ClinVar variation 2414252 (VCV002414252.4), dbSNP rs2475516017, ClinGen allele CA356893897.
Genomic context (GRCh38, chr4:54,278,397, plus strand): 5'-CTCCTAACGGCTTTTGTCCCCATAGGCCCCATTTACATCATCACAGAGTATTGCTTCTAT[G>A]GAGATTTGGTCAACTATTTGCATAAGAATAGGGATAGCTTCCTGAGCCACCACCCAGAGA-3'
Protein context (NP_006197.1, residues 670-690): IYIITEYCFY[Gly680Arg]DLVNYLHKNR

ClinVar aggregate classification (germline): Uncertain significance (1 of 4 stars; one submission).

Conditions:
Gastrointestinal stromal tumor. Also called: Gastrointestinal stroma tumor; Gastrointestinal stromal tumor, somatic. Identifiers: Orphanet 44890, MedGen C0238198, MeSH D046152, MONDO:0011719, OMIM 606764, HP:0100723.

Submission:

Labcorp Genetics (formerly Invitae), Labcorp
Classification: Uncertain significance for Gastrointestinal stromal tumor. Last evaluated: 2021-12-27. Review status: criteria provided, single submitter. Criteria: Invitae Variant Classification Sherloc (09022015). Collection method: clinical testing. Allele origin: germline.
Comment: In summary, the available evidence is currently insufficient to determine the role of this variant in disease. Therefore, it has been classified as a Variant of Uncertain Significance. Algorithms developed to predict the effect of sequence changes on RNA splicing suggest that this variant may create or strengthen a splice site. Algorithms developed to predict the effect of missense changes on protein structure and function are either unavailable or do not agree on the potential impact of this missense change (SIFT: "Tolerated"; PolyPhen-2: "Probably Damaging"; Align-GVGD: "Class C0"). This missense change has been observed in individual(s) with clinical features of GIST-plus syndrome (Invitae). This variant is not present in population databases (gnomAD no frequency). This sequence change replaces glycine, which is neutral and non-polar, with arginine, which is basic and polar, at codon 680 of the PDGFRA protein (p.Gly680Arg).